The following is an entry in ClinVar:

NC_000002.11:g.(?_32288901)_(32449854_?)del

Genes: NLRC4 (NLR family CARD domain containing 4; minus strand), SLC30A6 (solute carrier family 30 member 6; plus strand), SPAST (spastin; plus strand). Cytogenetic location: 2p22.3.
Variant type: Deletion.
Identifiers: ClinVar variation 3247410 (VCV003247410.1).

ClinVar aggregate classification (germline): Uncertain significance (1 of 4 stars; one submission).

Conditions:
Periodic fever-infantile enterocolitis-autoinflammatory syndrome. Also called: Autoinflammation with infantile enterocolitis. Identifiers: Orphanet 436166, MedGen C4015067, MONDO:0014472, OMIM 616050.
Familial cold autoinflammatory syndrome 4 (FCAS4). Identifiers: Orphanet 47045, Orphanet 576349, MedGen C4015276, MONDO:0014498, OMIM 616115.

Submission:

Labcorp Genetics (formerly Invitae), Labcorp
Classification: Uncertain significance for Periodic fever-infantile enterocolitis-autoinflammatory syndrome; Familial cold autoinflammatory syndrome 4. Last evaluated: 2023-09-05. Review status: criteria provided, single submitter. Criteria: Invitae Variant Classification Sherloc (09022015). Collection method: clinical testing. Allele origin: unknown.
Comment: This variant is a gross deletion of the genomic region encompassing exon(s) 9 of the NLRC4 gene, which includes the termination codon. This deletion extends beyond the assayed region for this gene and therefore may encompass additional genes. While this deletion is not anticipated to lead to nonsense mediated decay, it is expected to alter mRNA translation or result in a truncated protein product. This variant has not been reported in the literature in individuals affected with NLRC4-related conditions. Experimental studies and prediction algorithms are not available or were not evaluated, and the functional significance of this variant is currently unknown. In summary, the available evidence is currently insufficient to determine the role of this variant in disease. Therefore, it has been classified as a Variant of Uncertain Significance.